The following is an entry in ClinVar:

NM_000077.5(CDKN2A):c.35C>G (p.Ser12Trp)

Gene: CDKN2A (cyclin dependent kinase inhibitor 2A; minus strand). Cytogenetic location: 9p21.3.
Variant type: single nucleotide variant.
Coding change: c.35C>G on transcript NM_000077.5; coding-DNA position 35, C replaced by G.
Protein change: p.Ser12Trp; replaces serine 12 with tryptophan.
Molecular consequence: missense variant (on NM_000077.6). On other transcripts: intron variant (2).
Genome position (GRCh38, 1-based): chr9:21,974,793, G>C on the plus strand (C>G on the coding strand, the complement: CDKN2A is on the minus strand). VCF-style: chr9-21974793-G-C. GRCh37 (hg19) VCF-style: chr9-21974792-G-C.
Other names: c.35C>G, p.Ser12Trp (NM_000077.6, NM_001195132.2, NM_058197.5); c.-3-3585C>G (NM_001363763.2); c.194-3585C>G (NM_058195.4); short protein forms S12W.
Identifiers: ClinVar variation 1022671 (VCV001022671.12), dbSNP rs141798398, ClinGen allele CA373086674.

ClinVar aggregate classification (germline): Uncertain significance. Review status: criteria provided, multiple submitters, no conflicts (2 of 4 stars). 3 submissions from 3 submitters: Uncertain significance (3). Last evaluated 2026-05-03.

Conditions:
Melanoma and neural system tumor syndrome. Also called: MELANOMA-ASTROCYTOMA SYNDROME. Identifiers: Orphanet 252206, MedGen C1835042, MONDO:0007967, OMIM 155755.
Familial melanoma. Also called: Hereditary melanoma; Hereditary cutaneous melanoma. Identifiers: Orphanet 618, MedGen C1512419, MONDO:0018961.

Submissions (3):

Women's Health and Genetics/Laboratory Corporation of America, LabCorp
Classification: Uncertain significance. Last evaluated: 2026-05-03. Review status: criteria provided, single submitter. Criteria: LabCorp Variant Classification Summary - May 2015. Collection method: clinical testing. Allele origin: germline.

Baylor Genetics
Classification: Uncertain significance for Melanoma and neural system tumor syndrome. Last evaluated: 2024-03-17. Review status: criteria provided, single submitter. Criteria: ACMG Guidelines, 2015. Collection method: clinical testing. Allele origin: unknown.

Labcorp Genetics (formerly Invitae), Labcorp
Classification: Uncertain significance for Familial melanoma. Last evaluated: 2022-10-05. Review status: criteria provided, single submitter. Criteria: Invitae Variant Classification Sherloc (09022015). Collection method: clinical testing. Allele origin: germline.
Comment: This sequence change replaces serine, which is neutral and polar, with tryptophan, which is neutral and slightly polar, at codon 12 of the CDKN2A (p16INK4a) protein (p.Ser12Trp). This variant is not present in population databases (gnomAD no frequency). This variant has not been reported in the literature in individuals affected with CDKN2A (p16INK4a)-related conditions. ClinVar contains an entry for this variant (Variation ID: 1022671). Algorithms developed to predict the effect of missense changes on protein structure and function output the following: SIFT: "Deleterious"; PolyPhen-2: "Benign"; Align-GVGD: "Class C0". The tryptophan amino acid residue is found in multiple mammalian species, which suggests that this missense change does not adversely affect protein function. In summary, the available evidence is currently insufficient to determine the role of this variant in disease. Therefore, it has been classified as a Variant of Uncertain Significance.